The following is an entry in ClinVar:

NM_001003800.2(BICD2):c.1375A>G (p.Thr459Ala)

Gene: BICD2 (BICD cargo adaptor 2; minus strand). Cytogenetic location: 9q22.31.
Variant type: single nucleotide variant.
Coding change: c.1375A>G on transcript NM_001003800.2 (MANE Select); coding-DNA position 1375, A replaced by G.
Protein change: p.Thr459Ala; replaces threonine 459 with alanine.
Molecular consequence: missense variant.
Genome position (GRCh38, 1-based): chr9:92,719,270, T>C on the plus strand (A>G on the coding strand, the complement: BICD2 is on the minus strand). VCF-style: chr9-92719270-T-C. GRCh37 (hg19) VCF-style: chr9-95481552-T-C.
Other names: c.1375A>G (NM_001003800.1); c.1375A>G, p.Thr459Ala (NM_015250.4); short protein forms T459A.
Identifiers: ClinVar variation 2723434 (VCV002723434.2), dbSNP rs201947999, ClinGen allele CA196340835.

ClinVar aggregate classification (germline): Conflicting classifications of pathogenicity. Review status: criteria provided, conflicting classifications (1 of 4 stars). 2 submissions from 2 submitters: Uncertain significance (1); Likely benign (1). Last evaluated 2024-10-29.

Conditions:
Inborn genetic diseases. Identifiers: MedGen C0950123, MeSH D030342.
Autosomal dominant childhood-onset proximal spinal muscular atrophy with contractures (SMALED2A). Also called: SPINAL MUSCULAR ATROPHY, LOWER EXTREMITY-PREDOMINANT, 2A, CHILDHOOD ONSET, AUTOSOMAL DOMINANT; Spinal muscular atrophy, lower extremity-predominant, 2A, autosomal dominant. Identifiers: Orphanet 363447, Orphanet 363454, MedGen C4747715, MONDO:0014121, OMIM 615290.

Allele frequency attached by ClinVar (database versions not stated): TOPMed below 0.00001.

Submissions (2):

Ambry Genetics
Classification: Likely benign for Inborn genetic diseases. Last evaluated: 2024-10-29. Review status: criteria provided, single submitter. Criteria: Ambry Variant Classification Scheme 2023. Collection method: clinical testing. Allele origin: germline.

Labcorp Genetics (formerly Invitae), Labcorp
Classification: Uncertain significance for Autosomal dominant childhood-onset proximal spinal muscular atrophy with contractures. Last evaluated: 2023-05-27. Review status: criteria provided, single submitter. Criteria: Invitae Variant Classification Sherloc (09022015). Collection method: clinical testing. Allele origin: germline.
Comment: In summary, the available evidence is currently insufficient to determine the role of this variant in disease. Therefore, it has been classified as a Variant of Uncertain Significance. Advanced modeling of protein sequence and biophysical properties (such as structural, functional, and spatial information, amino acid conservation, physicochemical variation, residue mobility, and thermodynamic stability) performed at Invitae indicates that this missense variant is not expected to disrupt BICD2 protein function. This variant has not been reported in the literature in individuals affected with BICD2-related conditions. This variant is not present in population databases (gnomAD no frequency). This sequence change replaces threonine, which is neutral and polar, with alanine, which is neutral and non-polar, at codon 459 of the BICD2 protein (p.Thr459Ala).